The following is an entry in ClinVar:

NM_004519.4(KCNQ3):c.737C>T (p.Thr246Ile)

Gene: KCNQ3 (potassium voltage-gated channel subfamily Q member 3; minus strand). Cytogenetic location: 8q24.22.
Variant type: single nucleotide variant.
Coding change: c.737C>T on transcript NM_004519.4 (MANE Select); coding-DNA position 737, C replaced by T.
Protein change: p.Thr246Ile; replaces threonine 246 with isoleucine.
Molecular consequence: missense variant.
Genome position (GRCh38, 1-based): chr8:132,180,197, G>A on the plus strand (C>T on the coding strand, the complement: KCNQ3 is on the minus strand). VCF-style: chr8-132180197-G-A. GRCh37 (hg19) VCF-style: chr8-133192444-G-A.
Other names: c.377C>T, p.Thr126Ile (NM_001204824.2); short protein forms T126I, T246I.
Identifiers: ClinVar variation 1703987 (VCV001703987.5), dbSNP rs753111892, ClinGen allele CA4880860.

ClinVar aggregate classification (germline): Uncertain significance. Review status: criteria provided, multiple submitters, no conflicts (2 of 4 stars). 2 submissions from 2 submitters: Uncertain significance (2). Last evaluated 2023-06-23.

Conditions:
Benign neonatal seizures. Also called: Benign neonatal familial convulsions; Benign familial neonatal epilepsy; Benign familial neonatal seizures; Convulsions benign familial neonatal dominant form; Autosomal dominant form of benign neonatal seizures. Identifiers: Orphanet 1949, MedGen C0220669, MONDO:0016027.

Allele frequency attached by ClinVar (database versions not stated): gnomAD exomes below 0.00001; ExAC 0.00001; gnomAD 0.00001.
gnomAD v4.1: 5 of 1,614,030 alleles (0.00031%); highest among the groups gnomAD compares: East Asian, 0.0022%; no homozygotes.

Submissions (2):

Labcorp Genetics (formerly Invitae), Labcorp
Classification: Uncertain significance for Benign neonatal seizures. Last evaluated: 2023-06-23. Review status: criteria provided, single submitter. Criteria: Invitae Variant Classification Sherloc (09022015). Collection method: clinical testing. Allele origin: germline.
Comment: In summary, the available evidence is currently insufficient to determine the role of this variant in disease. Therefore, it has been classified as a Variant of Uncertain Significance. Advanced modeling of protein sequence and biophysical properties (such as structural, functional, and spatial information, amino acid conservation, physicochemical variation, residue mobility, and thermodynamic stability) has been performed at Invitae for this missense variant, however the output from this modeling did not meet the statistical confidence thresholds required to predict the impact of this variant on KCNQ3 protein function. ClinVar contains an entry for this variant (Variation ID: 1703987). This missense change has been observed in individual(s) with clinical features of KCNQ3-related conditions (Invitae). This variant is present in population databases (rs753111892, gnomAD 0.003%). This sequence change replaces threonine, which is neutral and polar, with isoleucine, which is neutral and non-polar, at codon 246 of the KCNQ3 protein (p.Thr246Ile).

GeneDx
Classification: Uncertain significance. Last evaluated: 2022-03-01. Review status: criteria provided, single submitter. Criteria: GeneDx Variant Classification Process June 2021. Collection method: clinical testing. Allele origin: germline. Affected: yes.
Comment: Has not been previously published as pathogenic or benign to our knowledge; Not observed at significant frequency in large population cohorts (gnomAD); In silico analysis supports that this missense variant has a deleterious effect on protein structure/function